The following is an entry in ClinVar:

ClinVar aggregate classification (germline): Uncertain significance (1 of 4 stars; one submission).

Conditions:
Wilson disease (WND). Also called: Wilson's disease. Identifiers: Orphanet 905, MedGen C0019202, MONDO:0010200, OMIM 277900. Disease mechanism: loss of function.

gnomAD v4.1: 23 of 1,613,788 alleles (0.0014%); highest among the groups gnomAD compares: East Asian, 0.0022%; no homozygotes.

Submission:

Labcorp Genetics (formerly Invitae), Labcorp
Classification: Uncertain significance for Wilson disease. Last evaluated: 2022-07-22. Review status: criteria provided, single submitter. Criteria: Invitae Variant Classification Sherloc (09022015). Collection method: clinical testing. Allele origin: germline.
Comment: This sequence change replaces methionine, which is neutral and non-polar, with valine, which is neutral and non-polar, at codon 645 of the ATP7B protein (p.Met645Val). This variant is present in population databases (rs749412315, gnomAD 0.005%). This variant has not been reported in the literature in individuals affected with ATP7B-related conditions. Advanced modeling of protein sequence and biophysical properties (such as structural, functional, and spatial information, amino acid conservation, physicochemical variation, residue mobility, and thermodynamic stability) performed at Invitae indicates that this missense variant is not expected to disrupt ATP7B protein function. Algorithms developed to predict the effect of sequence changes on RNA splicing suggest that this variant may disrupt the consensus splice site. This variant disrupts the p.Met645 amino acid residue in ATP7B. Other variant(s) that disrupt this residue have been determined to be pathogenic (PMID: 9311736, 9482578, 9671269, 11093740, 15952988, 19118915, 21832955, 22240481). This suggests that this residue is clinically significant, and that variants that disrupt this residue are likely to be disease-causing. In summary, the available evidence is currently insufficient to determine the role of this variant in disease. Therefore, it has been classified as a Variant of Uncertain Significance.

Literature cited by the submitters: PubMed 9311736; PubMed 9482578; PubMed 9671269; PubMed 11093740; PubMed 15952988; PubMed 19118915; PubMed 21832955; PubMed 22240481.

NM_000053.4(ATP7B):c.1933A>G (p.Met645Val)

Gene: ATP7B (ATPase copper transporting beta; minus strand). Cytogenetic location: 13q14.3.
Variant type: single nucleotide variant.
Coding change: c.1933A>G on transcript NM_000053.4 (MANE Select); coding-DNA position 1933, A replaced by G.
Protein change: p.Met645Val; replaces methionine 645 with valine.
Molecular consequence: missense variant. On other transcripts: intron variant (2).
Genome position (GRCh38, 1-based): chr13:51,961,850, T>C on the plus strand (A>G on the coding strand, the complement: ATP7B is on the minus strand). VCF-style: chr13-51961850-T-C. GRCh37 (hg19) VCF-style: chr13-52535986-T-C.
Other names: c.1600A>G, p.Met534Val (NM_001243182.2); c.1933A>G, p.Met645Val (NM_001330578.2, NM_001406511.1, NM_001406512.1 and 16 more transcripts); c.1900A>G, p.Met634Val (NM_001406514.1, NM_001406524.1); c.1837A>G, p.Met613Val (NM_001406517.1, NM_001406518.1, NM_001406530.1 and 1 more transcripts); c.1504A>G, p.Met502Val (NM_001406539.1); c.1869+3022A>G (NM_001005918.3, NM_001330579.2); short protein forms M634V, M645V, M613V, M534V, M502V.
Identifiers: ClinVar variation 2167254 (VCV002167254.1), dbSNP rs749412315, ClinGen allele CA6989169.